The following is an entry in ClinVar:

NM_000170.3(GLDC):c.1229G>A (p.Arg410Lys)

Gene: GLDC (glycine decarboxylase; minus strand). Cytogenetic location: 9p24.1.
Variant type: single nucleotide variant.
Coding change: c.1229G>A on transcript NM_000170.3 (MANE Select); coding-DNA position 1229, G replaced by A.
Protein change: p.Arg410Lys; replaces arginine 410 with lysine.
Molecular consequence: missense variant.
Genome position (GRCh38, 1-based): chr9:6,595,046, C>T on the plus strand (G>A on the coding strand, the complement: GLDC is on the minus strand). VCF-style: chr9-6595046-C-T. GRCh37 (hg19) VCF-style: chr9-6595046-C-T.
Other names: p.Arg410Lys; short protein forms R410K.
Identifiers: ClinVar variation 225378 (VCV000225378.51), dbSNP rs144090917, ClinGen allele CA4980799.
Genomic context (GRCh38, chr9:6,595,046, plus strand): 5'-AAATGTTTTAGACAGATTACCAACTCACCTTCTGACAAAATCAAAGTGGCATTATGTACC[C>T]TCCTAGCAATATGCTCCAGCCCATGGGAACCATGGTAGATTGCAAACATGGCAGCCATAT-3'
Protein context (NP_000161.2, residues 400-420): GSHGLEHIAR[Arg410Lys]VHNATLILSE

ClinVar aggregate classification (germline): Conflicting classifications of pathogenicity. Review status: criteria provided, conflicting classifications (1 of 4 stars). 12 submissions from 12 submitters: Uncertain significance (1); Benign (8); Likely benign (2). 1 of the submissions does not count toward it. Last evaluated 2026-08-01.

Conditions:
Glycine encephalopathy. Also called: Nonketotic hyperglycinemia; Non-ketotic hyperglycinemia. Identifiers: Orphanet 407, MedGen C0751748, MONDO:0011612, HP:0008288.

Allele frequency attached by ClinVar (database versions not stated): ESP Exome Variant Server 0.00046; gnomAD 0.00234 and 0.00257; TOPMed 0.00475; 1000 Genomes Project 0.00899; 1000 Genomes Project 30x 0.00984.
gnomAD v4.1: 1,833 of 1,611,492 alleles (0.11%); highest among the groups gnomAD compares: Admixed American, 2.6%; 21 homozygotes.

Submissions (15):

CeGaT Center for Human Genetics Tuebingen
Classification: Benign. Last evaluated: 2026-08-01. Review status: criteria provided, single submitter. Criteria: CeGaT Center For Human Genetics Tuebingen Variant Classification Criteria Version 2. Collection method: clinical testing. Allele origin: germline. Affected: yes. Observed: 24 variant alleles.
Comment: GLDC: BS1, BS2

Labcorp Genetics (formerly Invitae), Labcorp
Classification: Benign for Glycine encephalopathy. Last evaluated: 2026-02-03. Review status: criteria provided, single submitter. Criteria: Invitae Variant Classification Sherloc (09022015). Collection method: clinical testing. Allele origin: germline.

Athena Diagnostics
Classification: Benign. Last evaluated: 2024-07-02. Review status: criteria provided, single submitter. Criteria: Athena Diagnostics Criteria. Collection method: clinical testing. Allele origin: unknown.

Mendelics
Classification: Benign for Glycine encephalopathy 1. Last evaluated: 2023-07-13. Review status: criteria provided, single submitter. Criteria: Mendelics Assertion Criteria 2017. Collection method: clinical testing. Allele origin: unknown.

Mayo Clinic Laboratories, Mayo Clinic
Classification: Benign. Last evaluated: 2022-07-22. Review status: criteria provided, single submitter. Criteria: ACMG Guidelines, 2015. Collection method: clinical testing. Allele origin: germline. Observed: 4 variant alleles.
Comment: BS1, BS2, PP3

Women's Health and Genetics/Laboratory Corporation of America, LabCorp
Classification: Likely benign. Last evaluated: 2021-12-10. Review status: criteria provided, single submitter. Criteria: LabCorp Variant Classification Summary - May 2015. Collection method: clinical testing. Allele origin: germline.

GeneDx
Classification: Benign. Last evaluated: 2018-11-20. Review status: criteria provided, single submitter. Criteria: GeneDx Variant Classification Process June 2021. Collection method: clinical testing. Allele origin: germline. Affected: yes.
Comment: This variant is associated with the following publications: (PMID: 29153744, 27535533, 27362913, 12126939)

Illumina Laboratory Services, Illumina
Classification: Likely benign for Glycine encephalopathy 1. Last evaluated: 2017-04-28. Review status: criteria provided, single submitter. Criteria: ICSL Variant Classification Criteria 13 December 2019. Collection method: clinical testing. Allele origin: germline.
Comment: This variant was observed as part of a predisposition screen in an ostensibly healthy population. A literature search was performed for the gene, cDNA change, and amino acid change (where applicable). Publications were found based on this search. The evidence from the literature, in combination with allele frequency data from public databases where available, was sufficient to determine this variant is unlikely to cause disease. Therefore, this variant is classified as likely benign.

Soonchunhyang University Bucheon Hospital, Soonchunhyang University Medical Center
Classification: Uncertain significance for Glycine encephalopathy 1. Last evaluated: 2016-03-18. Review status: criteria provided, single submitter. Criteria: ACMG Guidelines, 2015. Collection method: reference population. Allele origin: germline. Observed: 1 variant allele.

Broad Center for Mendelian Genomics, Broad Institute of MIT and Harvard
Classification: Benign for Glycine encephalopathy 1. Review status: criteria provided, single submitter. Criteria: ACMG Guidelines, 2015. Collection method: research. Allele origin: germline. Inheritance: Autosomal recessive inheritance. Affected: yes.
Comment: The homozygous p.Arg410Lys variant in GLDC has been identified in an individual with non-ketotic hyperglycinaemia (PMID: 12126939), but has also been identified in >2% of Latino chromosomes and 8 homozygotes by ExAC. In summary, this variant meets criteria to be classified as benign for autosomal recessive non-ketotic hyperglycinaemia.

PreventionGenetics, part of Exact Sciences
Classification: Benign. Review status: criteria provided, single submitter. Criteria: ACMG Guidelines, 2015. Collection method: clinical testing. Allele origin: germline.

Natera, Inc.
Classification: Benign for Non-ketotic hyperglycinemia. Last evaluated: 2020-01-09. Review status: no assertion criteria provided. Collection method: clinical testing. Allele origin: germline. Not counted in ClinVar's aggregate classification.

Dr. Peter K. Rogan Lab, Western University
No classification provided (evidence only). Condition: Cervical cancer. Review status: no classification provided. Collection method: in vitro. Allele origin: not applicable. Functional consequence: retained intron. Not counted in ClinVar's aggregate classification.

Dr. Peter K. Rogan Lab, Western University
No classification provided (evidence only). Condition: Cervical cancer. Review status: no classification provided. Collection method: in vitro. Allele origin: not applicable. Functional consequence: retained intron. Not counted in ClinVar's aggregate classification.

Dr. Peter K. Rogan Lab, Western University
No classification provided (evidence only). Condition: Hepatocellular carcinoma. Review status: no classification provided. Collection method: in vitro. Allele origin: not applicable. Functional consequence: retained intron. Not counted in ClinVar's aggregate classification.

Literature cited by the submitters: PubMed 27535533 (cited by Athena Diagnostics); PubMed 12126939 (cited by 5 submitters); PubMed 27362913 (cited by Athena Diagnostics and Mayo Clinic Laboratories, Mayo Clinic); PubMed 29153744 (cited by Athena Diagnostics and Mayo Clinic Laboratories, Mayo Clinic).